The following is an entry in ClinVar:

NM_000059.4(BRCA2):c.7976+4A>G

Gene: BRCA2 (BRCA2 DNA repair associated; plus strand). Cytogenetic location: 13q13.1.
Variant type: single nucleotide variant.
Coding change: c.7976+4A>G on transcript NM_000059.4 (MANE Select); 4 bases into the intron after coding-DNA position 7976, A replaced by G.
Molecular consequence: intron variant.
Genome position (GRCh38, 1-based): chr13:32,362,697, A>G. VCF-style: chr13-32362697-A-G. GRCh37 (hg19) VCF-style: chr13-32936834-A-G.
Identifiers: ClinVar variation 231922 (VCV000231922.9), dbSNP rs876659445, ClinGen allele CA10579762.

ClinVar aggregate classification (germline): Conflicting classifications of pathogenicity. Review status: criteria provided, conflicting classifications (1 of 4 stars). 2 submissions from 2 submitters: Pathogenic (1); Uncertain significance (1). Last evaluated 2025-03-28.

Conditions:
Hereditary cancer-predisposing syndrome. Also called: Neoplastic Syndromes, Hereditary; Tumor predisposition; Hereditary Cancer Syndrome; Hereditary neoplastic syndrome. Identifiers: Orphanet 140162, MedGen C0027672, MeSH D009386, MONDO:0015356.
Hereditary breast ovarian cancer syndrome. Also called: BRCA1- and BRCA2-Associated Hereditary Breast and Ovarian Cancer; Hereditary breast and ovarian cancer syndrome; Hereditary breast and ovarian cancer; Hereditary breast and ovarian cancer syndrome (HBOC); Breast and ovarian cancer; Hereditary breast and/or ovarian cancer syndrome. Identifiers: Orphanet 145, MedGen C0677776, MeSH D061325, MONDO:0003582. Disease mechanism: loss of function.

Allele frequency attached by ClinVar (database versions not stated): gnomAD exomes below 0.00001.
gnomAD v4.1: 1 of 1,614,038 alleles (0.000062%); highest among the groups gnomAD compares: Non-Finnish European, 0.000085%; no homozygotes.

Submissions (2):

Ambry Genetics
Classification: Uncertain significance for Hereditary cancer-predisposing syndrome. Last evaluated: 2025-03-28. Review status: criteria provided, single submitter. Criteria: Ambry Variant Classification Scheme 2023. Collection method: clinical testing. Allele origin: germline.
Comment: The c.7976+4A>G intronic variant results from an A to G substitution 4 nucleotides after coding exon 16 in the BRCA2 gene. Two saturation genome editing-based studies, including a haploid cell-survival assay and a humanized mouse embryonic stem cell line assay of drug response and survival, demonstrate that this nucleotide substitution is non-functional (Huang H et al. Nature. 2025 Feb;638(8050):528-537; Sahu S et al. Nature. 2025 Feb;638(8050):538-545). This nucleotide position is well conserved in available vertebrate species. In silico splice site analysis predicts that this alteration may weaken the native splice donor site. Based on the available evidence, the clinical significance of this variant remains unclear.

Labcorp Genetics (formerly Invitae), Labcorp
Classification: Pathogenic for Hereditary breast ovarian cancer syndrome. Last evaluated: 2023-08-04. Review status: criteria provided, single submitter. Criteria: Invitae Variant Classification Sherloc (09022015). Collection method: clinical testing. Allele origin: germline.
Comment: For these reasons, this variant has been classified as Pathogenic. This variant disrupts a region of the BRCA2 protein in which other variant(s) (p.Leu2653Pro) have been determined to be pathogenic (PMID: 22678057, 29061967). This suggests that this is a clinically significant region of the protein, and that variants that disrupt it are likely to be disease-causing. Variants that disrupt the consensus splice site are a relatively common cause of aberrant splicing (PMID: 17576681, 9536098). Studies have shown that this variant results in skipping of exon 17, but is expected to preserve the integrity of the reading-frame (Invitae). ClinVar contains an entry for this variant (Variation ID: 231922). This variant has not been reported in the literature in individuals affected with BRCA2-related conditions. This variant is not present in population databases (gnomAD no frequency). This sequence change falls in intron 17 of the BRCA2 gene. It does not directly change the encoded amino acid sequence of the BRCA2 protein. RNA analysis indicates that this variant induces altered splicing and likely results in a shortened protein product.

Literature cited by the submitters: PubMed 22678057 (cited by Labcorp Genetics (formerly Invitae), Labcorp); PubMed 29061967 (cited by Labcorp Genetics (formerly Invitae), Labcorp); PubMed 17576681 (cited by Labcorp Genetics (formerly Invitae), Labcorp); PubMed 9536098 (cited by Labcorp Genetics (formerly Invitae), Labcorp).